The following is an entry in ClinVar:

ClinVar aggregate classification (germline): Benign/Likely benign. Review status: criteria provided, multiple submitters, no conflicts (2 of 4 stars). 4 submissions from 4 submitters: Benign (3); Likely benign (1). Last evaluated 2026-01-26.

Conditions:
Xeroderma pigmentosum group B. Also called: XPB/CS; XERODERMA PIGMENTOSUM B/COCKAYNE SYNDROME; ERCC3-Related Xeroderma Pigmentosum; XP, GROUP B. Identifiers: MedGen C0268136, MONDO:0012531, OMIM 610651.

Allele frequency attached by ClinVar (database versions not stated): gnomAD exomes 0.00320 and 0.00125; ExAC 0.00388; gnomAD 0.01248 and 0.01342; 1000 Genomes Project 0.01298; ESP Exome Variant Server 0.01330; TOPMed 0.01427; 1000 Genomes Project 30x 0.01452.
gnomAD v4.1: 3,793 of 1,613,622 alleles (0.24%); highest among the groups gnomAD compares: African/African-American, 4.5%; 74 homozygotes.

Submissions (4):

Labcorp Genetics (formerly Invitae), Labcorp
Classification: Benign. Last evaluated: 2026-01-26. Review status: criteria provided, single submitter. Criteria: Invitae Variant Classification Sherloc (09022015). Collection method: clinical testing. Allele origin: germline.

KCCC/NGS Laboratory, Kuwait Cancer Control Center
Classification: Likely benign for Xeroderma pigmentosum group B. Last evaluated: 2023-07-07. Review status: criteria provided, single submitter. Criteria: ACMG Guidelines, 2015. Collection method: clinical testing. Allele origin: germline. Affected: yes.

Athena Diagnostics
Classification: Benign. Last evaluated: 2018-08-10. Review status: criteria provided, single submitter. Criteria: Athena Diagnostics Criteria. Collection method: clinical testing. Allele origin: germline.

Illumina Laboratory Services, Illumina
Classification: Benign for Xeroderma pigmentosum group B. Last evaluated: 2018-01-12. Review status: criteria provided, single submitter. Criteria: ICSL Variant Classification Criteria 13 December 2019. Collection method: clinical testing. Allele origin: germline.
Comment: This variant was observed in the ICSL laboratory as part of a predisposition screen in an ostensibly healthy population. It had not been previously curated by ICSL or reported in the Human Gene Mutation Database (HGMD: prior to June 1st, 2018), and was therefore a candidate for classification through an automated scoring system. Utilizing variant allele frequency, disease prevalence and penetrance estimates, and inheritance mode, an automated score was calculated to assess if this variant is too frequent to cause the disease. Based on the score and internal cut-off values, a variant classified as benign is not then subjected to further curation. The score for this variant resulted in a classification of benign for this disease.

NM_000122.2(ERCC3):c.1027+3A>G

Gene: ERCC3 (ERCC excision repair 3, TFIIH core complex helicase subunit; minus strand). Cytogenetic location: 2q14.3.
Variant type: single nucleotide variant.
Coding change: c.1027+3A>G on transcript NM_000122.2 (MANE Select); 3 bases into the intron after coding-DNA position 1027, A replaced by G.
Molecular consequence: intron variant.
Genome position (GRCh38, 1-based): chr2:127,288,657, T>C on the plus strand (A>G on the coding strand, the complement: ERCC3 is on the minus strand). VCF-style: chr2-127288657-T-C. GRCh37 (hg19) VCF-style: chr2-128046233-T-C.
Other names: c.835+3A>G (NM_001303416.2, NM_001303418.2).
Identifiers: ClinVar variation 331085 (VCV000331085.17), dbSNP rs4150417, ClinGen allele CA1858384.
Genomic context (GRCh38, chr2:127,288,657, plus strand): 5'-GGAGGCAGCTGGCAGATCCAGACACAACAGCCTGACCACCTTCTTAACTCTGGTACCACT[T>C]ACCGCAGGGAAGAACAATGACCCCCGAACGTGCACGCCCGTTTCCAAACATCTTTCGCAA-3'